The following is an entry in ClinVar:

NM_022124.6(CDH23):c.5871_5872dup (p.Leu1958fs)

Gene: CDH23 (cadherin related 23; plus strand). Cytogenetic location: 10q22.1.
Variant type: Duplication.
Coding change: c.5871_5872dup on transcript NM_022124.6 (MANE Select); coding-DNA positions 5871 to 5872, 2 bases duplicated (CC; older notation c.5871_5872dupCC).
Protein change: p.Leu1958fs; shifts the reading frame from leucine 1958.
Molecular consequence: frameshift variant.
Genome position (GRCh38, 1-based): chr10:71,788,990-71,788,991, CC duplicated; duplicating any 2 consecutive bases within chr10:71,788,987-71,788,991 gives the same sequence; the c. name uses the placement nearest the transcript's 3' end. VCF-style (leftmost placement, unchanged base first): chr10-71788986-A-ACC. GRCh37 (hg19) VCF-style: chr10-73548743-A-ACC.
Other names: short protein forms L1958fs.
Identifiers: ClinVar variation 1402233 (VCV001402233.6), dbSNP rs2132945702, ClinGen allele CA2573145378.

ClinVar aggregate classification (germline): Pathogenic (1 of 4 stars; one submission).

Submission:

Labcorp Genetics (formerly Invitae), Labcorp
Classification: Pathogenic. Last evaluated: 2021-11-16. Review status: criteria provided, single submitter. Criteria: Invitae Variant Classification Sherloc (09022015). Collection method: clinical testing. Allele origin: germline.
Comment: This sequence change creates a premature translational stop signal (p.Leu1958Profs*12) in the CDH23 gene. It is expected to result in an absent or disrupted protein product. Loss-of-function variants in CDH23 are known to be pathogenic (PMID: 11138009, 21940737). This variant is not present in population databases (gnomAD no frequency). For these reasons, this variant has been classified as Pathogenic. This variant has not been reported in the literature in individuals affected with CDH23-related conditions.

Literature cited by the submitters: PubMed 11138009; PubMed 21940737.